The following is an entry in ClinVar:

ClinVar aggregate classification (germline): Conflicting classifications of pathogenicity. Review status: criteria provided, conflicting classifications (1 of 4 stars). 2 submissions from 2 submitters: Uncertain significance (1); Likely benign (1). Last evaluated 2024-12-02.

Conditions:
Cardiovascular phenotype. Identifiers: MedGen CN230736.
Dilated cardiomyopathy 1DD (CMD1DD). Identifiers: Orphanet 154, MedGen C2750995, MONDO:0013168, OMIM 613172.

Allele frequency attached by ClinVar (database versions not stated): gnomAD exomes below 0.00001 and 0.00001.
gnomAD v4.1: 5 of 1,551,778 alleles (0.00032%); highest among the groups gnomAD compares: East Asian, 0.0073%; no homozygotes.

Submissions (2):

Labcorp Genetics (formerly Invitae), Labcorp
Classification: Likely benign for Dilated cardiomyopathy 1DD. Last evaluated: 2024-12-02. Review status: criteria provided, single submitter. Criteria: Invitae Variant Classification Sherloc (09022015). Collection method: clinical testing. Allele origin: germline.

Ambry Genetics
Classification: Uncertain significance for Cardiovascular phenotype. Last evaluated: 2024-03-27. Review status: criteria provided, single submitter. Criteria: Ambry Variant Classification Scheme 2023. Collection method: clinical testing. Allele origin: germline.
Comment: The p.V1037I variant (also known as c.3109G>A), located in coding exon 11 of the RBM20 gene, results from a G to A substitution at nucleotide position 3109. The valine at codon 1037 is replaced by isoleucine, an amino acid with highly similar properties. This amino acid position is conserved. In addition, this alteration is predicted to be tolerated by in silico analysis. Based on the available evidence, the clinical significance of this alteration remains unclear.

NM_001134363.3(RBM20):c.3109G>A (p.Val1037Ile)

Gene: RBM20 (RNA binding motif protein 20; plus strand). Cytogenetic location: 10q25.2.
Variant type: single nucleotide variant.
Coding change: c.3109G>A on transcript NM_001134363.3 (MANE Select); coding-DNA position 3109, G replaced by A.
Protein change: p.Val1037Ile; replaces valine 1037 with isoleucine.
Molecular consequence: missense variant.
Genome position (GRCh38, 1-based): chr10:110,821,728, G>A. VCF-style: chr10-110821728-G-A. GRCh37 (hg19) VCF-style: chr10-112581486-G-A.
Other names: c.3109G>A (NM_001134363.1); short protein forms V1037I.
Identifiers: ClinVar variation 1411089 (VCV001411089.7), dbSNP rs1406011277, ClinGen allele CA378380928.